The following is an entry in ClinVar:

NM_001165963.4(SCN1A):c.4002+2213C>T

Genes: SCN1A (sodium voltage-gated channel alpha subunit 1; minus strand), LOC102724058 (uncharacterized LOC102724058; plus strand). Cytogenetic location: 2q24.3.
Variant type: single nucleotide variant.
Coding change: c.4002+2213C>T on transcript NM_001165963.4 (MANE Select); 2213 bases into the intron after coding-DNA position 4002, C replaced by T.
Molecular consequence: intron variant.
Genome position (GRCh38, 1-based): chr2:166,007,506, G>A on the plus strand (C>T on the coding strand, the complement: SCN1A is on the minus strand). VCF-style: chr2-166007506-G-A. GRCh37 (hg19) VCF-style: chr2-166864016-G-A.
Other names: c.3969+2213C>T (NM_001353949.2, NM_001353950.2, NM_001353951.2 and 2 more transcripts); c.3918+2213C>T (NM_001353958.2, NM_001353957.2, NM_001165964.3); c.4002+2213C>T (NM_001202435.3, NM_001353948.2); c.3966+2213C>T (NM_001353955.2, NM_001353954.2); c.3915+2213C>T (NM_001353960.2); c.1560+2213C>T (NM_001353961.2).
Identifiers: ClinVar variation 1635691 (VCV001635691.9), dbSNP rs930950827, ClinGen allele CA59771643.

ClinVar aggregate classification (germline): Uncertain significance (1 of 4 stars; one submission).

Conditions:
Early-infantile DEE. Also called: Early infantile epileptic encephalopathy; Early infantile epileptic encephalopathy with suppression bursts; Ohtahara syndrome. Identifiers: Orphanet 1934, MedGen C0393706, MONDO:0800491.

Allele frequency attached by ClinVar (database versions not stated): gnomAD 0.00007 and 0.00008; TOPMed 0.00008.
gnomAD v4.1: 11 of 151,104 alleles (0.0073%); highest among the groups gnomAD compares: African/African-American, 0.019%; no homozygotes.

Submission:

Labcorp Genetics (formerly Invitae), Labcorp
Classification: Uncertain significance for Early-infantile DEE. Last evaluated: 2025-04-08. Review status: criteria provided, single submitter. Criteria: Invitae Variant Classification Sherloc (09022015). Collection method: clinical testing. Allele origin: germline.
Comment: This sequence change falls in intron 20 of the SCN1A gene. It does not directly change the encoded amino acid sequence of the SCN1A protein. However, this sequence change falls within a region encompassing a cryptic exon in the SCN1A gene, in which variants have been shown to alter splicing (PMID: 30526861, 34107977). The frequency data for this variant in the population databases is considered unreliable, as metrics indicate poor data quality at this position in the gnomAD database. This variant has not been reported in the literature in individuals affected with SCN1A-related conditions. ClinVar contains an entry for this variant (Variation ID: 1635691). Algorithms developed to predict the effect of sequence changes on RNA splicing suggest that this variant is not likely to affect RNA splicing. In summary, the available evidence is currently insufficient to determine the role of this variant in disease. Therefore, it has been classified as a Variant of Uncertain Significance.

Literature cited by the submitters: PubMed 30526861; PubMed 34107977.